The following is an entry in ClinVar:

NM_004985.5(KRAS):c.274G>T (p.Asp92Tyr)

Gene: KRAS (KRas proto-oncogene, GTPase; minus strand). Cytogenetic location: 12p12.1.
Variant type: single nucleotide variant.
Coding change: c.274G>T on transcript NM_004985.5 (MANE Select); coding-DNA position 274, G replaced by T.
Protein change: p.Asp92Tyr; replaces aspartic acid 92 with tyrosine.
Molecular consequence: missense variant.
Genome position (GRCh38, 1-based): chr12:25,227,250, C>A on the plus strand (G>T on the coding strand, the complement: KRAS is on the minus strand). VCF-style: chr12-25227250-C-A. GRCh37 (hg19) VCF-style: chr12-25380184-C-A.
Other names: c.274G>T, p.Asp92Tyr (NM_001369786.1, NM_001369787.1, NM_033360.4); short protein forms D92Y.
Identifiers: ClinVar variation 5020431 (VCV005020431.1).

ClinVar aggregate classification (germline): Uncertain significance (1 of 4 stars; one submission).

Submission:

Dasa
Classification: Uncertain significance. Last evaluated: 2026-06-05. Review status: criteria provided, single submitter. Criteria: DASA Assertion Criteria. Collection method: clinical testing. Allele origin: germline.
Comment: NM_004985.5(KRAS):c.274G>T (p.Asp92Tyr) is a missense variant that results in the substitution of aspartic acid with tyrosine. This variant is absent from population databases. Computational prediction algorithms are consistent with a deleterious effect. The currently available literature and clinical evidence are not sufficient to establish a definitive association between this variant and the reported condition. Therefore, this variant is classified as a variant of uncertain significance.